The following is an entry in ClinVar:

NM_001382391.1(CSPP1):c.1972A>G (p.Ile658Val)

Gene: CSPP1 (centrosome and spindle pole associated protein 1; plus strand). Cytogenetic location: 8q13.2.
Variant type: single nucleotide variant.
Coding change: c.1972A>G on transcript NM_001382391.1 (MANE Select); coding-DNA position 1972, A replaced by G.
Protein change: p.Ile658Val; replaces isoleucine 658 with valine.
Molecular consequence: missense variant.
Genome position (GRCh38, 1-based): chr8:67,137,600, A>G. VCF-style: chr8-67137600-A-G. GRCh37 (hg19) VCF-style: chr8-68049835-A-G.
Other names: c.1075A>G, p.Ile359Val (NM_001291339.2); c.1891A>G, p.Ile631Val (NM_001363131.2); c.1930A>G, p.Ile644Val (NM_001363132.2); c.1849A>G, p.Ile617Val (NM_001363133.2); c.2038A>G, p.Ile680Val (NM_001364869.1); c.1858A>G, p.Ile620Val (NM_001364870.1); c.1957A>G, p.Ile653Val (NM_024790.7); short protein forms I620V, I644V, I359V, I617V, I631V, I653V, I680V, I658V.
Identifiers: ClinVar variation 1384604 (VCV001384604.8), dbSNP rs2129555283, ClinGen allele CA371206114.

ClinVar aggregate classification (germline): Uncertain significance (1 of 4 stars; one submission).

Conditions:
Joubert syndrome 21 (JBTS21). Identifiers: MedGen C3810212, MONDO:0014288, OMIM 615636.

Submission:

Labcorp Genetics (formerly Invitae), Labcorp
Classification: Uncertain significance for Joubert syndrome 21. Last evaluated: 2022-03-10. Review status: criteria provided, single submitter. Criteria: Invitae Variant Classification Sherloc (09022015). Collection method: clinical testing. Allele origin: germline.
Comment: In summary, the available evidence is currently insufficient to determine the role of this variant in disease. Therefore, it has been classified as a Variant of Uncertain Significance. Algorithms developed to predict the effect of sequence changes on RNA splicing suggest that this variant may disrupt the consensus splice site. Algorithms developed to predict the effect of missense changes on protein structure and function are either unavailable or do not agree on the potential impact of this missense change (SIFT: "Tolerated"; PolyPhen-2: "Possibly Damaging"; Align-GVGD: "Class C0"). This variant has not been reported in the literature in individuals affected with CSPP1-related conditions. This variant is not present in population databases (gnomAD no frequency). This sequence change replaces isoleucine, which is neutral and non-polar, with valine, which is neutral and non-polar, at codon 653 of the CSPP1 protein (p.Ile653Val).